The following is an entry in ClinVar:

ClinVar aggregate classification (germline): Uncertain significance. Review status: criteria provided, multiple submitters, no conflicts (2 of 4 stars). 2 submissions from 2 submitters: Uncertain significance (2). Last evaluated 2025-05-19.

Conditions:
Inborn genetic diseases. Identifiers: MedGen C0950123, MeSH D030342.

gnomAD v4.1: 3 of 1,614,182 alleles (0.00019%); highest among the groups gnomAD compares: African/African-American, 0.0013%; no homozygotes.

Submissions (2):

Ambry Genetics
Classification: Uncertain significance for Inborn genetic diseases. Last evaluated: 2025-05-19. Review status: criteria provided, single submitter. Criteria: Ambry Variant Classification Scheme 2023. Collection method: clinical testing. Allele origin: germline.

GeneDx
Classification: Uncertain significance. Last evaluated: 2024-02-07. Review status: criteria provided, single submitter. Criteria: GeneDx Variant Classification Process June 2021. Collection method: clinical testing. Allele origin: germline. Affected: yes.
Comment: In silico analysis supports that this missense variant has a deleterious effect on protein structure/function; Has not been previously published as pathogenic or benign to our knowledge

NM_007118.4(TRIO):c.5107C>T (p.Arg1703Cys)

Gene: TRIO (trio Rho guanine nucleotide exchange factor; plus strand). Cytogenetic location: 5p15.2.
Variant type: single nucleotide variant.
Coding change: c.5107C>T on transcript NM_007118.4 (MANE Select); coding-DNA position 5107, C replaced by T.
Protein change: p.Arg1703Cys; replaces arginine 1703 with cysteine.
Molecular consequence: missense variant. On other transcripts: non-coding transcript variant (1).
Genome position (GRCh38, 1-based): chr5:14,419,925, C>T. VCF-style: chr5-14419925-C-T. GRCh37 (hg19) VCF-style: chr5-14420034-C-T.
Other names: short protein forms R1703C.
Identifiers: ClinVar variation 3368937 (VCV003368937.2).